The following is an entry in ClinVar:

NM_002294.3(LAMP2):c.23C>G (p.Pro8Arg)

Gene: LAMP2 (lysosomal associated membrane protein 2; minus strand). Cytogenetic location: Xq24.
Variant type: single nucleotide variant.
Coding change: c.23C>G on transcript NM_002294.3 (MANE Select); coding-DNA position 23, C replaced by G.
Protein change: p.Pro8Arg; replaces proline 8 with arginine.
Molecular consequence: missense variant.
Genome position (GRCh38, 1-based): chrX:120,469,147, G>C on the plus strand (C>G on the coding strand, the complement: LAMP2 is on the minus strand). VCF-style: chrX-120469147-G-C. GRCh37 (hg19) VCF-style: chrX-119603002-G-C.
Other names: c.23C>G, p.Pro8Arg (NM_001122606.1, NM_013995.2); short protein forms P8R.
Identifiers: ClinVar variation 453085 (VCV000453085.2), dbSNP rs878854484, ClinGen allele CA414398000.

ClinVar aggregate classification (germline): Uncertain significance (1 of 4 stars; one submission).

Submission:

GeneDx
Classification: Uncertain significance. Last evaluated: 2017-10-31. Review status: criteria provided, single submitter. Criteria: GeneDx Variant Classification (06012015). Collection method: clinical testing. Allele origin: germline. Affected: yes.
Comment: A variant of uncertain significance has been identified in the LAMP2 gene. The P8R variant has not been published as pathogenic or been reported as benign to our knowledge. The P8R variant is not observed in large population cohorts (Lek et al., 2016). The P8R variant is a non-conservative amino acid substitution, which is likely to impact secondary protein structure as these residues differ in polarity, charge, size and/or other properties. However, this substitution occurs at a position not conserved across species and in silico analysis predicts this variant likely does not alter the protein structure/function. Lastly, a different missense change affecting the same residue (P8L) has been reported previously at GeneDx; however, the clinical significance of this variant is unknown.